The following is an entry in ClinVar:

ClinVar aggregate classification (germline): Pathogenic (1 of 4 stars; one submission).

Submission:

Labcorp Genetics (formerly Invitae), Labcorp
Classification: Pathogenic. Last evaluated: 2022-12-19. Review status: criteria provided, single submitter. Criteria: Invitae Variant Classification Sherloc (09022015). Collection method: clinical testing. Allele origin: unknown.
Comment: For these reasons, this variant has been classified as Pathogenic. A similar copy number variant has been observed in individual(s) with congenital limb malformations (PMID: 31502745). A gross deletion of the genomic region encompassing the full coding sequence of the NOG gene has been identified. Loss-of-function variants in NOG are known to be pathogenic (PMID: 15699718, 31428484). The boundaries of this event are unknown as they extend beyond the assayed region for this gene and therefore may encompass additional genes.

Literature cited by the submitters: PubMed 31502745; PubMed 15699718; PubMed 31428484.

NC_000017.10:g.(?_54671585)_(55927371_?)del

Genes: AKAP1 (A-kinase anchoring protein 1; plus strand), C17orf67 (chromosome 17 open reading frame 67; minus strand), COIL (coilin; minus strand), TRIM25 (tripartite motif containing 25; minus strand), DGKE (diacylglycerol kinase epsilon; plus strand) and 4 more. Cytogenetic location: 17q22.
Variant type: Deletion.
Identifiers: ClinVar variation 3243161 (VCV003243161.1).